The following is an entry in ClinVar:

ClinVar aggregate classification (germline): Pathogenic (1 of 4 stars; one submission).

Conditions:
Familial hypokalemia-hypomagnesemia (GTLMNS). Also called: HYPOMAGNESEMIA-HYPOKALEMIA, PRIMARY RENOTUBULAR, WITH HYPOCALCIURIA; POTASSIUM AND MAGNESIUM DEPLETION; gitelman syndrome. Identifiers: Orphanet 358, MedGen C0268450, MONDO:0009904, OMIM 263800.

gnomAD v4.1: 1 of 1,614,016 alleles (0.000062%); highest among the groups gnomAD compares: Non-Finnish European, 0.000085%; no homozygotes.

Submission:

Women's Health and Genetics/Laboratory Corporation of America, LabCorp
Classification: Pathogenic for Familial hypokalemia-hypomagnesemia. Last evaluated: 2025-03-25. Review status: criteria provided, single submitter. Criteria: LabCorp Variant Classification Summary - May 2015. Collection method: clinical testing. Allele origin: germline.
Comment: Variant summary: SLC12A3 c.1946C>G (p.Thr649Arg) results in a non-conservative amino acid change in the encoded protein sequence. Five of five in-silico tools predict a damaging effect of the variant on protein function. The variant was absent in 250632 control chromosomes. c.1946C>G has been reported in the literature in multiple individuals affected with autosomal recessive Gitelman syndrome (example, Lemmink_1998). These data indicate that the variant is very likely to be associated with disease. At least one publication reports experimental evidence evaluating an impact on protein function. The most pronounced variant effect results in diminished Na+ uptake function in Xenopus laevis oocytes (De Jong_2002). The following publications have been ascertained in the context of this evaluation (PMID: 15102966, 9734597). No submitters have cited clinical-significance assessments for this variant to ClinVar. Based on the evidence outlined above, the variant was classified as pathogenic.

Literature cited by the submitters: PubMed 9734597; PubMed 15102966.

NM_001126108.2(SLC12A3):c.1946C>G (p.Thr649Arg)

Gene: SLC12A3 (solute carrier family 12 member 3; plus strand). Cytogenetic location: 16q13.
Variant type: single nucleotide variant.
Coding change: c.1946C>G on transcript NM_001126108.2 (MANE Select); coding-DNA position 1946, C replaced by G.
Protein change: p.Thr649Arg; replaces threonine 649 with arginine.
Molecular consequence: missense variant.
Genome position (GRCh38, 1-based): chr16:56,886,384, C>G. VCF-style: chr16-56886384-C-G. GRCh37 (hg19) VCF-style: chr16-56920296-C-G.
Other names: c.1946C>G, p.Thr649Arg (NM_000339.3); c.1943C>G, p.Thr648Arg (NM_001126107.2, NM_001410896.1); short protein forms T648R, T649R.
Identifiers: ClinVar variation 3895952 (VCV003895952.1).